The following is an entry in ClinVar:

ClinVar aggregate classification (germline): Uncertain significance (1 of 4 stars; one submission).

Submission:

GeneDx
Classification: Uncertain significance. Last evaluated: 2025-06-12. Review status: criteria provided, single submitter. Criteria: GeneDx Variant Classification Process June 2021. Collection method: clinical testing. Allele origin: germline. Affected: yes.
Comment: Not observed at significant frequency in large population cohorts (gnomAD); Frameshift variant predicted to result in protein truncation or nonsense mediated decay in a gene or region of a gene for which loss of function is not a well-established mechanism of disease; Has not been previously published as pathogenic or benign to our knowledge

NM_006180.6(NTRK2):c.1317dup (p.Ala440fs)

Gene: NTRK2 (neurotrophic receptor tyrosine kinase 2; plus strand). Cytogenetic location: 9q21.33.
Variant type: Duplication.
Coding change: c.1317dup on transcript NM_006180.6 (MANE Select); coding-DNA position 1317, one base duplicated (T; older notation c.1317dupT).
Protein change: p.Ala440fs; shifts the reading frame from alanine 440.
Molecular consequence: frameshift variant.
Genome position (GRCh38, 1-based): chr9:84,752,006, T duplicated; the last of 2 consecutive T bases (chr9:84,752,005-84,752,006); duplicating either gives the same sequence. VCF-style (leftmost placement, unchanged base first): chr9-84752004-A-AT. GRCh37 (hg19) VCF-style: chr9-87366919-A-AT.
Other names: c.1317dup, p.Ala440fs (NM_001018065.2, NM_001018066.3, NM_001369532.1 and 15 more transcripts); c.1278dup, p.Ala427fs (NM_001291937.2, NM_001369546.1); c.1281dup, p.Ala428fs (NM_001369534.1); c.849dup, p.Ala284fs (NM_001369535.1, NM_001369536.1, NM_001369550.1 and 2 more transcripts); short protein forms A284fs, A427fs, A428fs, A440fs.
Identifiers: ClinVar variation 4537591 (VCV004537591.1).
Genomic context (GRCh38, chr9:84,752,004, plus strand): 5'-CTAATTAGCAAGGTTATAACCACCCTCCCTTCCTTTCTCTAGGTCTATGCTGTGGTGGTG[A>AT]TTGCGTCTGTGGTGGGATTTTGCCTTTTGGTAATGCTGTTTCTGCTTAAGTTGGCAAGAC-3'